The following is an entry in ClinVar:

NM_001122630.2(CDKN1C):c.283C>T (p.Pro95Ser)

Gene: CDKN1C (cyclin dependent kinase inhibitor 1C; minus strand). Cytogenetic location: 11p15.4.
Variant type: single nucleotide variant.
Coding change: c.283C>T on transcript NM_001122630.2 (MANE Select); coding-DNA position 283, C replaced by T.
Protein change: p.Pro95Ser; replaces proline 95 with serine.
Molecular consequence: missense variant. On other transcripts: intron variant (1).
Genome position (GRCh38, 1-based): chr11:2,885,174, G>A on the plus strand (C>T on the coding strand, the complement: CDKN1C is on the minus strand). VCF-style: chr11-2885174-G-A. GRCh37 (hg19) VCF-style: chr11-2906404-G-A.
Other names: c.316C>T, p.Pro106Ser (NM_000076.2, NM_001362474.2); c.283C>T, p.Pro95Ser (NM_001122631.2); c.255+28C>T (NM_001362475.2); short protein forms P106S, P95S.
Identifiers: ClinVar variation 938560 (VCV000938560.9), dbSNP rs1848966431, ClinGen allele CA379146962.

ClinVar aggregate classification (germline): Uncertain significance (1 of 4 stars; one submission).

Conditions:
Beckwith-Wiedemann syndrome (BWS). Also called: Exomphalos macroglossia gigantism syndrome; EMG SYNDROME. Identifiers: Orphanet 116, MedGen C0004903, MONDO:0007534, OMIM 130650.

Submission:

Labcorp Genetics (formerly Invitae), Labcorp
Classification: Uncertain significance for Beckwith-Wiedemann syndrome. Last evaluated: 2023-03-02. Review status: criteria provided, single submitter. Criteria: Invitae Variant Classification Sherloc (09022015). Collection method: clinical testing. Allele origin: germline.
Comment: This sequence change replaces proline, which is neutral and non-polar, with serine, which is neutral and polar, at codon 106 of the CDKN1C protein (p.Pro106Ser). This variant has not been reported in the literature in individuals affected with CDKN1C-related conditions. In summary, the available evidence is currently insufficient to determine the role of this variant in disease. Therefore, it has been classified as a Variant of Uncertain Significance. ClinVar contains an entry for this variant (Variation ID: 938560). Advanced modeling of protein sequence and biophysical properties (such as structural, functional, and spatial information, amino acid conservation, physicochemical variation, residue mobility, and thermodynamic stability) performed at Invitae indicates that this missense variant is not expected to disrupt CDKN1C protein function. This variant is not present in population databases (gnomAD no frequency).